The following is an entry in ClinVar:

NM_000136.3(FANCC):c.5dup (p.Gln3fs)

Gene: FANCC (FA complementation group C; minus strand). Cytogenetic location: 9q22.32.
Variant type: Duplication.
Coding change: c.5dup on transcript NM_000136.3 (MANE Select); coding-DNA position 5, one base duplicated (C; older notation c.5dupC).
Protein change: p.Gln3fs; shifts the reading frame from glutamine 3.
Molecular consequence: frameshift variant.
Genome position (GRCh38, 1-based): chr9:95,249,287, G duplicated on the plus strand (C on the coding strand, the reverse complement: FANCC is on the minus strand). VCF-style (leftmost placement, unchanged base first): chr9-95249286-A-AG. GRCh37 (hg19) VCF-style: chr9-98011568-A-AG.
Other names: c.5dup, p.Gln3fs (NM_001243743.2, NM_001243744.2); c.5dupC (NM_000136.2); short protein forms Q3fs.
Identifiers: ClinVar variation 558692 (VCV000558692.11), dbSNP rs1268491295, ClinGen allele CA658821267.

ClinVar aggregate classification (germline): Pathogenic/Likely pathogenic. Review status: criteria provided, multiple submitters, no conflicts (2 of 4 stars). 4 submissions from 4 submitters: Pathogenic (2); Likely pathogenic (1). 1 of the submissions does not count toward it. Last evaluated 2024-01-29.

Conditions:
Hereditary cancer-predisposing syndrome. Also called: Hereditary neoplastic syndrome; Neoplastic Syndromes, Hereditary; Tumor predisposition; Hereditary Cancer Syndrome. Identifiers: Orphanet 140162, MedGen C0027672, MeSH D009386, MONDO:0015356.
Fanconi anemia (FA). Also called: Fanconi's anemia. Identifiers: Orphanet 84, MedGen C0015625, MeSH D005199, MONDO:0019391.
Fanconi anemia complementation group C (FANCC). Also called: FANCC-Related Fanconi Anemia; FANCONI PANCYTOPENIA, TYPE 3; FACC; Fanconi anemia, group C. Identifiers: Orphanet 84, MedGen C3468041, MONDO:0009213, OMIM 227645.

Allele frequency attached by ClinVar (database versions not stated): TOPMed below 0.00001.

Submissions (4):

Ambry Genetics
Classification: Pathogenic for Hereditary cancer-predisposing syndrome. Last evaluated: 2024-01-29. Review status: criteria provided, single submitter. Criteria: Ambry Variant Classification Scheme 2023. Collection method: clinical testing. Allele origin: germline.
Comment: The c.5dupC pathogenic mutation, located in coding exon 1 of the FANCC gene, results from a duplication of C at nucleotide position 5, causing a translational frameshift with a predicted alternate stop codon (p.Q3Sfs*9). This alteration is expected to result in loss of function by premature protein truncation or nonsense-mediated mRNA decay. As such, this alteration is interpreted as a disease-causing mutation.

Labcorp Genetics (formerly Invitae), Labcorp
Classification: Pathogenic for Fanconi anemia. Last evaluated: 2020-01-16. Review status: criteria provided, single submitter. Criteria: Invitae Variant Classification Sherloc (09022015). Collection method: clinical testing. Allele origin: germline.
Comment: For these reasons, this variant has been classified as Pathogenic. Loss-of-function variants in FANCC are known to be pathogenic (PMID: 17924555). This variant has not been reported in the literature in individuals with FANCC-related conditions. ClinVar contains an entry for this variant (Variation ID: 558692). This variant is not present in population databases (ExAC no frequency). This sequence change creates a premature translational stop signal (p.Gln3Serfs*9) in the FANCC gene. It is expected to result in an absent or disrupted protein product.

Baylor Genetics
Classification: Likely pathogenic for Fanconi anemia complementation group C. Review status: criteria provided, single submitter. Criteria: ACMG Guidelines, 2015. Collection method: clinical testing. Allele origin: germline.

Counsyl
Classification: Likely pathogenic for Fanconi anemia complementation group C. Last evaluated: 2018-06-05. Review status: no assertion criteria provided. Collection method: clinical testing. Allele origin: unknown. Not counted in ClinVar's aggregate classification.

Literature cited by the submitters: PubMed 17924555 (cited by Labcorp Genetics (formerly Invitae), Labcorp); PubMed 8639804 (cited by Counsyl); PubMed 11110674 (cited by Counsyl).